The following is an entry in ClinVar:

ClinVar aggregate classification (germline): Uncertain significance (1 of 4 stars; one submission).

Conditions:
Hereditary sensory neuropathy-deafness-dementia syndrome. Also called: Hereditary sensory neuropathy type IE; Hereditary Sensory and Autonomic Neuropathy Type 1E (HSAN1E); NEUROPATHY, HEREDITARY SENSORY, WITH HEARING LOSS AND DEMENTIA; HSN IE. Identifiers: Orphanet 456318, MedGen C3279885, MONDO:0013584, OMIM 614116.

Submission:

Labcorp Genetics (formerly Invitae), Labcorp
Classification: Uncertain significance for Hereditary sensory neuropathy-deafness-dementia syndrome. Last evaluated: 2023-09-10. Review status: criteria provided, single submitter. Criteria: Invitae Variant Classification Sherloc (09022015). Collection method: clinical testing. Allele origin: germline.
Comment: In summary, the available evidence is currently insufficient to determine the role of this variant in disease. Therefore, it has been classified as a Variant of Uncertain Significance. This sequence change replaces arginine, which is basic and polar, with lysine, which is basic and polar, at codon 140 of the DNMT1 protein (p.Arg140Lys). This variant is not present in population databases (gnomAD no frequency). This variant has not been reported in the literature in individuals affected with DNMT1-related conditions. An algorithm developed to predict the effect of missense changes on protein structure and function (PolyPhen-2) suggests that this variant is likely to be tolerated.

NM_001130823.3(DNMT1):c.419G>A (p.Arg140Lys)

Gene: DNMT1 (DNA methyltransferase 1; minus strand). Cytogenetic location: 19p13.2.
Variant type: single nucleotide variant.
Coding change: c.419G>A on transcript NM_001130823.3 (MANE Select); coding-DNA position 419, G replaced by A.
Protein change: p.Arg140Lys; replaces arginine 140 with lysine.
Molecular consequence: missense variant.
Genome position (GRCh38, 1-based): chr19:10,180,376, C>T on the plus strand (G>A on the coding strand, the complement: DNMT1 is on the minus strand). VCF-style: chr19-10180376-C-T. GRCh37 (hg19) VCF-style: chr19-10291052-C-T.
Other names: c.419G>A, p.Arg140Lys (NM_001318730.2, NM_001379.4); c.56G>A, p.Arg19Lys (NM_001318731.2); short protein forms R19K, R140K.
Identifiers: ClinVar variation 2872253 (VCV002872253.3), dbSNP rs2039021836, ClinGen allele CA403946116.